The following is an entry in ClinVar:

ClinVar aggregate classification (germline): Uncertain significance. Review status: criteria provided, multiple submitters, no conflicts (2 of 4 stars). 4 submissions from 4 submitters: Uncertain significance (4). Last evaluated 2026-03-26.

Conditions:
DMXL2-related disorder. Also called: DMXL2-related condition.
Inborn genetic diseases. Identifiers: MedGen C0950123, MeSH D030342.

Allele frequency attached by ClinVar (database versions not stated): ExAC 0.00002; TOPMed 0.00002; ESP Exome Variant Server 0.00008; gnomAD 0.00008 and 0.00009.
gnomAD v4.1: 73 of 1,480,020 alleles (0.0049%); highest among the groups gnomAD compares: Non-Finnish European, 0.0057%; no homozygotes.

Submissions (4):

PreventionGenetics, part of Exact Sciences
Classification: Uncertain significance for DMXL2-related condition. Last evaluated: 2026-03-26. Review status: criteria provided, single submitter. Criteria: ACMG Guidelines, 2015. Collection method: clinical testing. Allele origin: germline.
Comment: The DMXL2 c.7420G>C variant is predicted to result in the amino acid substitution p.Val2474Leu. To our knowledge, this variant has not been reported in the literature. This variant is reported in 0.017% of alleles in individuals of European (Finnish) descent in gnomAD, including one homozygote. At this time, the clinical significance of this variant is uncertain due to the absence of conclusive functional and genetic evidence.

Women's Health and Genetics/Laboratory Corporation of America, LabCorp
Classification: Uncertain significance. Last evaluated: 2024-05-09. Review status: criteria provided, single submitter. Criteria: LabCorp Variant Classification Summary - May 2015. Collection method: clinical testing. Allele origin: germline.
Comment: Variant summary: DMXL2 c.7417G>C (p.Val2473Leu) results in a conservative amino acid change in the encoded protein sequence. Four of five in-silico tools predict a benign effect of the variant on protein function. The variant allele was found at a frequency of 5.9e-05 in 187316 control chromosomes in the gnomAD database, including 1 homozygotes. The available data on variant occurrences in the general population are insufficient to allow any conclusion about variant significance To our knowledge, no occurrence of c.7417G>C in individuals affected with DMXL2-Related Disorders and no experimental evidence demonstrating its impact on protein function have been reported. ClinVar contains an entry for this variant (Variation ID: 1432125). Based on the evidence outlined above, the variant was classified as uncertain significance.

Labcorp Genetics (formerly Invitae), Labcorp
Classification: Uncertain significance. Last evaluated: 2023-12-06. Review status: criteria provided, single submitter. Criteria: Invitae Variant Classification Sherloc (09022015). Collection method: clinical testing. Allele origin: germline.
Comment: This sequence change replaces valine, which is neutral and non-polar, with leucine, which is neutral and non-polar, at codon 2474 of the DMXL2 protein (p.Val2474Leu). This variant is present in population databases (rs144695767, gnomAD 0.02%), including at least one homozygous and/or hemizygous individual. This variant has not been reported in the literature in individuals affected with DMXL2-related conditions. ClinVar contains an entry for this variant (Variation ID: 1432125). Algorithms developed to predict the effect of missense changes on protein structure and function output the following: SIFT: "Not Available"; PolyPhen-2: "Benign"; Align-GVGD: "Not Available". The leucine amino acid residue is found in multiple mammalian species, which suggests that this missense change does not adversely affect protein function. In summary, the available evidence is currently insufficient to determine the role of this variant in disease. Therefore, it has been classified as a Variant of Uncertain Significance.

Ambry Genetics
Classification: Uncertain significance for Inborn genetic diseases. Last evaluated: 2023-10-02. Review status: criteria provided, single submitter. Criteria: Ambry Variant Classification Scheme 2023. Collection method: clinical testing. Allele origin: germline.

NM_001378457.1(DMXL2):c.7420G>C (p.Val2474Leu)

Gene: DMXL2 (Dmx like 2; minus strand). Cytogenetic location: 15q21.2.
Variant type: single nucleotide variant.
Coding change: c.7420G>C on transcript NM_001378457.1 (MANE Select); coding-DNA position 7420, G replaced by C.
Protein change: p.Val2474Leu; replaces valine 2474 with leucine.
Molecular consequence: missense variant. On other transcripts: non-coding transcript variant (2).
Genome position (GRCh38, 1-based): chr15:51,466,284, C>G on the plus strand (G>C on the coding strand, the complement: DMXL2 is on the minus strand). VCF-style: chr15-51466284-C-G. GRCh37 (hg19) VCF-style: chr15-51758481-C-G.
Other names: c.7420G>C (NM_001174116.1); c.7420G>C, p.Val2474Leu (NM_001174116.3, NM_001378459.1, NM_001378461.1 and 1 more transcripts); c.5509G>C, p.Val1837Leu (NM_001174117.3); c.7417G>C, p.Val2473Leu (NM_001378458.1, NM_001378462.1, NM_015263.5); c.5398G>C, p.Val1800Leu (NM_001378460.1); c.7177G>C, p.Val2393Leu (NM_001378464.1); short protein forms V1800L, V2393L, V2474L, V1837L, V2473L.
Identifiers: ClinVar variation 1432125 (VCV001432125.7), dbSNP rs144695767, ClinGen allele CA7561321.